The following is an entry in ClinVar:

NM_000091.5(COL4A3):c.3078A>T (p.Lys1026Asn)

Genes: COL4A3 (collagen type IV alpha 3 chain; plus strand), MFF-DT (MFF divergent transcript; minus strand). Cytogenetic location: 2q36.3.
Variant type: single nucleotide variant.
Coding change: c.3078A>T on transcript NM_000091.5 (MANE Select); coding-DNA position 3078, A replaced by T.
Protein change: p.Lys1026Asn; replaces lysine 1026 with asparagine.
Molecular consequence: missense variant.
Genome position (GRCh38, 1-based): chr2:227,290,754, A>T. VCF-style: chr2-227290754-A-T. GRCh37 (hg19) VCF-style: chr2-228155470-A-T.
Other names: short protein forms K1026N.
Identifiers: ClinVar variation 4531842 (VCV004531842.1).

ClinVar aggregate classification (germline): Uncertain significance (1 of 4 stars; one submission).

Conditions:
Autosomal dominant Alport syndrome (ATS3A). Also called: ALPORT SYNDROME 3A, AUTOSOMAL DOMINANT; Alport syndrome dominant type; Renal failure and sensorineural hearing loss. Identifiers: Orphanet 63, Orphanet 88918, MedGen C5882663, MONDO:0007086, OMIM 104200.

Submission:

Victorian Clinical Genetics Services, Murdoch Childrens Research Institute
Classification: Uncertain significance for Autosomal dominant Alport syndrome. Last evaluated: 2024-10-23. Review status: criteria provided, single submitter. Criteria: ACMG Guidelines, 2015. Collection method: clinical testing. Allele origin: germline. Affected: yes.
Comment: This variant is classified as VUS-3B. Evidence in support of pathogenic classification: Variant is absent from gnomAD (v2, v3 and v4). Additional information: Variant is predicted to result in a missense amino acid change from lysine to asparagine; This variant is heterozygous; This gene is associated with both recessive (Alport syndrome 3B (MIM#620536)) and dominant disease (Alport syndrome 3A (MIM#104200)) (OMIM); This variant has no previous evidence of pathogenicity; No published segregation evidence has been identified for this variant; No published functional evidence has been identified for this variant; No comparable missense variants have previous evidence for pathogenicity; Variant is located in the annotated collagen triple helical domain (Pfam, UCSC). This variant does not affect a critical glycine residue in the Gly-X-Y repeat motif; Missense variant with conflicting in silico predictions and uninformative conservation; Dominant negative and loss of function are known mechanisms of disease in this gene and are associated with Alport syndrome (MONDO:0018965), COL4A3-related. Glycine changes that are part of a G-X-Y repeat in the triple helix of a collagen domain are known to have a dominant negative effect (PMID: 12028435); Inheritance information for this variant is not currently available in this individual.

Literature cited by the submitters: PubMed 12028435.